The following is an entry in ClinVar:

NM_000535.7(PMS2):c.1343G>C (p.Gly448Ala)

Gene: PMS2 (PMS1 homolog 2, mismatch repair system component; minus strand). Cytogenetic location: 7p22.1.
Variant type: single nucleotide variant.
Coding change: c.1343G>C on transcript NM_000535.7 (MANE Select); coding-DNA position 1343, G replaced by C.
Protein change: p.Gly448Ala; replaces glycine 448 with alanine.
Molecular consequence: missense variant. On other transcripts: non-coding transcript variant (1).
Genome position (GRCh38, 1-based): chr7:5,987,422, C>G on the plus strand (G>C on the coding strand, the complement: PMS2 is on the minus strand). VCF-style: chr7-5987422-C-G. GRCh37 (hg19) VCF-style: chr7-6027053-C-G.
Other names: c.938G>C, p.Gly313Ala (NM_001322003.2, NM_001322004.2, NM_001322005.2 and 1 more transcripts); c.1187G>C, p.Gly396Ala (NM_001322006.2); c.1025G>C, p.Gly342Ala (NM_001322007.2, NM_001322008.2); c.782G>C, p.Gly261Ala (NM_001322010.2); c.410G>C, p.Gly137Ala (NM_001322011.2, NM_001322012.2); c.770G>C, p.Gly257Ala (NM_001322013.2); c.1343G>C, p.Gly448Ala (NM_001322014.2); c.1034G>C, p.Gly345Ala (NM_001322015.2); short protein forms G137A, G257A, G261A, G313A, G342A, G345A, G396A, G448A.
Identifiers: ClinVar variation 1010490 (VCV001010490.9), dbSNP rs1060503118, ClinGen allele CA366742294.
Genomic context (GRCh38, chr7:5,987,422, plus strand): 5'-AGGACGCCTTTGTCAGAGATGGCACCTGAAGTGCTAGAAGACAGCATACCCCTTTTCTGT[C>G]CTAGAGGGCTCCTTCTTGGTTCTGGAGTCTTTGGGCTGTGAGGCTTGTTCTCTGTTGTGT-3'
Protein context (NP_000526.2, residues 438-458): KTPEPRRSPL[Gly448Ala]QKRGMLSSST

ClinVar aggregate classification (germline): Uncertain significance. Review status: criteria provided, multiple submitters, no conflicts (2 of 4 stars). 2 submissions from 2 submitters: Uncertain significance (2). Last evaluated 2025-03-17.

Conditions:
Hereditary nonpolyposis colorectal neoplasms. Identifiers: MedGen C0009405, MeSH D003123.
Hereditary cancer-predisposing syndrome. Also called: Tumor predisposition; Hereditary neoplastic syndrome; Neoplastic Syndromes, Hereditary; Hereditary Cancer Syndrome. Identifiers: Orphanet 140162, MedGen C0027672, MeSH D009386, MONDO:0015356.

Submissions (2):

Color Diagnostics, LLC DBA Color Health
Classification: Uncertain significance for Hereditary cancer-predisposing syndrome. Last evaluated: 2025-03-17. Review status: criteria provided, single submitter. Criteria: ACMG Guidelines, 2015. Collection method: clinical testing. Allele origin: germline.
Comment: This missense variant replaces glycine with alanine at codon 448 of the PMS2 protein. Computational prediction suggests that this variant may not impact protein structure and function (internally defined REVEL score threshold <= 0.5, PMID: 27666373). To our knowledge, functional studies have not been reported for this variant. This variant has not been reported in individuals affected with PMS2-related disorders in the literature. This variant has not been identified in the general population by the Genome Aggregation Database (gnomAD). The available evidence is insufficient to determine the role of this variant in disease conclusively. Therefore, this variant is classified as a Variant of Uncertain Significance.

Labcorp Genetics (formerly Invitae), Labcorp
Classification: Uncertain significance for Hereditary nonpolyposis colorectal neoplasms. Last evaluated: 2023-03-04. Review status: criteria provided, single submitter. Criteria: Invitae Variant Classification Sherloc (09022015). Collection method: clinical testing. Allele origin: germline.
Comment: This sequence change replaces glycine, which is neutral and non-polar, with alanine, which is neutral and non-polar, at codon 448 of the PMS2 protein (p.Gly448Ala). This variant is not present in population databases (gnomAD no frequency). This variant has not been reported in the literature in individuals affected with PMS2-related conditions. ClinVar contains an entry for this variant (Variation ID: 1010490). Advanced modeling of protein sequence and biophysical properties (such as structural, functional, and spatial information, amino acid conservation, physicochemical variation, residue mobility, and thermodynamic stability) performed at Invitae indicates that this missense variant is not expected to disrupt PMS2 protein function. In summary, the available evidence is currently insufficient to determine the role of this variant in disease. Therefore, it has been classified as a Variant of Uncertain Significance.